The following is an entry in ClinVar:

ClinVar aggregate classification (germline): Uncertain significance. Review status: criteria provided, multiple submitters, no conflicts (2 of 4 stars). 3 submissions from 3 submitters: Uncertain significance (3). Last evaluated 2025-12-04.

Conditions:
Inborn genetic diseases. Identifiers: MedGen C0950123, MeSH D030342.

Allele frequency attached by ClinVar (database versions not stated): gnomAD exomes below 0.00001; TOPMed 0.00001; gnomAD 0.00002.
gnomAD v4.1: 5 of 1,210,337 alleles (0.00041%); highest among the groups gnomAD compares: African/African-American, 0.0087%; no homozygotes.

Submissions (3):

GeneDx
Classification: Uncertain significance. Last evaluated: 2025-12-04. Review status: criteria provided, single submitter. Criteria: GeneDx Variant Classification Process June 2021. Collection method: clinical testing. Allele origin: germline.
Comment: Not observed at significant frequency in large population cohorts (gnomAD); In silico analysis suggests that this missense variant does not alter protein structure/function; Has not been previously published as pathogenic or benign to our knowledge

Labcorp Genetics (formerly Invitae), Labcorp
Classification: Uncertain significance. Last evaluated: 2025-06-01. Review status: criteria provided, single submitter. Criteria: Invitae Variant Classification Sherloc (09022015). Collection method: clinical testing. Allele origin: germline.
Comment: This sequence change replaces glycine, which is neutral and non-polar, with serine, which is neutral and polar, at codon 791 of the TAF1 protein (p.Gly791Ser). This variant is present in population databases (no rsID available, gnomAD 0.008%). This variant has not been reported in the literature in individuals affected with TAF1-related conditions. ClinVar contains an entry for this variant (Variation ID: 2204690). Invitae Evidence Modeling of protein sequence and biophysical properties (such as structural, functional, and spatial information, amino acid conservation, physicochemical variation, residue mobility, and thermodynamic stability) indicates that this missense variant is not expected to disrupt TAF1 protein function with a negative predictive value of 80%. In summary, the available evidence is currently insufficient to determine the role of this variant in disease. Therefore, it has been classified as a Variant of Uncertain Significance.

Ambry Genetics
Classification: Uncertain significance for Inborn genetic diseases. Last evaluated: 2021-06-09. Review status: criteria provided, single submitter. Criteria: Ambry Variant Classification Scheme 2023. Collection method: clinical testing. Allele origin: germline.

NM_004606.5(TAF1):c.2311G>A (p.Gly771Ser)

Gene: TAF1 (TATA-box binding protein associated factor 1; plus strand). Cytogenetic location: Xq13.1.
Variant type: single nucleotide variant.
Coding change: c.2311G>A on transcript NM_004606.5 (MANE Select); coding-DNA position 2311, G replaced by A.
Protein change: p.Gly771Ser; replaces glycine 771 with serine.
Molecular consequence: missense variant. On other transcripts: non-coding transcript variant (9).
Genome position (GRCh38, 1-based): chrX:71,387,345, G>A. VCF-style: chrX-71387345-G-A. GRCh37 (hg19) VCF-style: chrX-70607195-G-A.
Other names: c.2311G>A, p.Gly771Ser (NM_001286074.2); c.2248G>A, p.Gly750Ser (NM_138923.4); short protein forms G771S, G750S.
Identifiers: ClinVar variation 2204690 (VCV002204690.7), dbSNP rs1436332462, ClinGen allele CA413518595.